The following is an entry in ClinVar:

NM_015040.4(PIKFYVE):c.*1499T>G

Gene: PIKFYVE (phosphoinositide kinase, FYVE-type zinc finger containing; plus strand). Cytogenetic location: 2q34.
Variant type: single nucleotide variant.
Coding change: c.*1499T>G on transcript NM_015040.4 (MANE Select); 1499 bases downstream of the stop codon, T replaced by G.
Molecular consequence: 3 prime UTR variant.
Genome position (GRCh38, 1-based): chr2:208,356,804, T>G. VCF-style: chr2-208356804-T-G. GRCh37 (hg19) VCF-style: chr2-209221528-T-G.
Identifiers: ClinVar variation 333958 (VCV000333958.5), dbSNP rs41295956, ClinGen allele CA10613867.

ClinVar aggregate classification (germline): Benign (1 of 4 stars; one submission).

Conditions:
Fleck corneal dystrophy (CFD). Also called: CORNEAL DYSTROPHY, FRANCOIS-NEETENS SPECKLED OR FLECKED. Identifiers: Orphanet 98970, MedGen C1562113, MONDO:0007376, OMIM 121850.

Allele frequency attached by ClinVar (database versions not stated): gnomAD exomes 0.00233; TOPMed 0.00494; 1000 Genomes Project 30x 0.00515; gnomAD 0.00527 and 0.00572; 1000 Genomes Project 0.00539.
gnomAD v4.1: 862 of 152,812 alleles (0.56%); highest among the groups gnomAD compares: South Asian, 1.7%; 4 homozygotes.

Submission:

Illumina Laboratory Services, Illumina
Classification: Benign for Fleck corneal dystrophy. Last evaluated: 2018-01-13. Review status: criteria provided, single submitter. Criteria: ICSL Variant Classification Criteria 13 December 2019. Collection method: clinical testing. Allele origin: germline.
Comment: This variant was observed in the ICSL laboratory as part of a predisposition screen in an ostensibly healthy population. It had not been previously curated by ICSL or reported in the Human Gene Mutation Database (HGMD: prior to June 1st, 2018), and was therefore a candidate for classification through an automated scoring system. Utilizing variant allele frequency, disease prevalence and penetrance estimates, and inheritance mode, an automated score was calculated to assess if this variant is too frequent to cause the disease. Based on the score and internal cut-off values, a variant classified as benign is not then subjected to further curation. The score for this variant resulted in a classification of benign for this disease.